The following is an entry in ClinVar:

NM_006941.4(SOX10):c.1216C>A (p.Gln406Lys)

Genes: POLR2F (RNA polymerase II, I and III subunit F; plus strand), SOX10 (SRY-box transcription factor 10; minus strand). Cytogenetic location: 22q13.1.
Variant type: single nucleotide variant.
Coding change: c.1216C>A on transcript NM_006941.4 (MANE Select); coding-DNA position 1216, C replaced by A.
Protein change: p.Gln406Lys; replaces glutamine 406 with lysine.
Molecular consequence: missense variant. On other transcripts: intron variant (3).
Genome position (GRCh38, 1-based): chr22:37,973,680, G>T on the plus strand (C>A on the coding strand, the complement: SOX10 is on the minus strand). VCF-style: chr22-37973680-G-T. GRCh37 (hg19) VCF-style: chr22-38369687-G-T.
Other names: p.Gln406Lys; c.*38+1370G>T (NM_001363825.1); c.293+6510G>T (NM_001301130.2, NM_001301131.2); short protein forms Q406K.
Identifiers: ClinVar variation 4542453 (VCV004542453.1).

ClinVar aggregate classification (germline): Uncertain significance (1 of 4 stars; one submission).

Submission:

Mayo Clinic Laboratories, Mayo Clinic
Classification: Uncertain significance. Last evaluated: 2025-06-12. Review status: criteria provided, single submitter. Criteria: ACMG Guidelines, 2015. Collection method: clinical testing. Allele origin: germline. Observed: 1 variant allele.
Comment: BP5, PP3_moderate, PM2_supporting